The following is an entry in ClinVar:

ClinVar aggregate classification (germline): Likely benign. Review status: criteria provided, single submitter (1 of 4 stars). 2 submissions from 2 submitters: Likely benign (1). 1 of the submissions does not count toward it. Last evaluated 2024-11-07.

Conditions:
ANK1-related disorder. Also called: ANK1-related condition.

Allele frequency attached by ClinVar (database versions not stated): ExAC 0.00004; gnomAD 0.00005; gnomAD exomes 0.00005; TOPMed 0.00005; ESP Exome Variant Server 0.00008.
gnomAD v4.1: 74 of 1,578,640 alleles (0.0047%); highest among the groups gnomAD compares: Non-Finnish European, 0.0063%; no homozygotes.

Submissions (2):

Blueprint Genetics
Classification: Likely benign. Last evaluated: 2024-11-07. Review status: criteria provided, single submitter. Criteria: ACMG Guidelines, 2015. Collection method: clinical testing. Allele origin: germline.

PreventionGenetics, part of Exact Sciences
Classification: Likely benign for ANK1-related condition. Last evaluated: 2019-06-21. Review status: no assertion criteria provided. Collection method: clinical testing. Allele origin: germline. Not counted in ClinVar's aggregate classification.
Comment: This variant is classified as likely benign based on ACMG/AMP sequence variant interpretation guidelines (Richards et al. 2015 PMID: 25741868, with internal and published modifications).

NM_000037.4(ANK1):c.708A>G (p.Pro236=)

Gene: ANK1 (ankyrin 1; minus strand). Cytogenetic location: 8p11.21.
Variant type: single nucleotide variant.
Coding change: c.708A>G on transcript NM_000037.4 (MANE Select); coding-DNA position 708, A replaced by G.
Protein change: p.Pro236=; no amino-acid change (proline 236 retained).
Molecular consequence: synonymous variant.
Genome position (GRCh38, 1-based): chr8:41,724,459, T>C on the plus strand (A>G on the coding strand, the complement: ANK1 is on the minus strand). VCF-style: chr8-41724459-T-C. GRCh37 (hg19) VCF-style: chr8-41581977-T-C.
Other names: c.807A>G, p.Pro269= (NM_001142446.2); c.708A>G, p.Pro236= (NM_020475.3, NM_020476.3, NM_020477.3).
Identifiers: ClinVar variation 3043429 (VCV003043429.3), dbSNP rs374550696, ClinGen allele CA4728899.